The following is an entry in ClinVar:

NM_004006.3(DMD):c.2359C>T (p.Leu787=)

Gene: DMD (dystrophin; minus strand). Cytogenetic location: Xp21.1.
Variant type: single nucleotide variant.
Coding change: c.2359C>T on transcript NM_004006.3 (MANE Select); coding-DNA position 2359, C replaced by T.
Protein change: p.Leu787=; no amino-acid change (leucine 787 retained).
Molecular consequence: synonymous variant.
Genome position (GRCh38, 1-based): chrX:32,501,776, G>A on the plus strand (C>T on the coding strand, the complement: DMD is on the minus strand). VCF-style: chrX-32501776-G-A. GRCh37 (hg19) VCF-style: chrX-32519893-G-A.
Other names: p.Leu787=; c.2335C>T, p.Leu779= (NM_000109.4); c.2347C>T, p.Leu783= (NM_004009.3); c.1990C>T, p.Leu664= (NM_004010.3).
Identifiers: ClinVar variation 4684513 (VCV004684513.1).

ClinVar aggregate classification (germline): Likely benign (1 of 4 stars; one submission).

Submission:

Mayo Clinic Laboratories, Mayo Clinic
Classification: Likely benign. Last evaluated: 2025-05-27. Review status: criteria provided, single submitter. Criteria: ACMG Guidelines, 2015. Collection method: clinical testing. Allele origin: germline. Observed: 1 variant allele.
Comment: BP4, BP7